The following is an entry in ClinVar:

NM_000268.4(NF2):c.1167G>C (p.Gln389His)

Gene: NF2 (NF2, moesin-ezrin-radixin like (MERLIN) tumor suppressor; plus strand). Cytogenetic location: 22q12.2.
Variant type: single nucleotide variant.
Coding change: c.1167G>C on transcript NM_000268.4 (MANE Select); coding-DNA position 1167, G replaced by C.
Protein change: p.Gln389His; replaces glutamine 389 with histidine.
Molecular consequence: missense variant. On other transcripts: non-coding transcript variant (1), intron variant (1).
Genome position (GRCh38, 1-based): chr22:29,673,313, G>C. VCF-style: chr22-29673313-G-C. GRCh37 (hg19) VCF-style: chr22-30069302-G-C.
Other names: c.1053G>C, p.Gln351His (NM_001407053.1, NM_001407056.1); c.1044G>C, p.Gln348His (NM_001407054.1, NM_001407058.1, NM_181829.3); c.1041G>C, p.Gln347His (NM_001407055.1, NM_181828.3); c.1032G>C, p.Gln344His (NM_001407057.1, NM_001407059.1); c.1167G>C, p.Gln389His (NM_001407060.1, NM_001407066.1, NM_016418.5 and 2 more transcripts); c.909G>C, p.Gln303His (NM_001407062.1); c.918G>C, p.Gln306His (NM_001407063.1, NM_001407064.1, NM_181830.3 and 1 more transcripts); c.633G>C, p.Gln211His (NM_001407065.1); and 2 more; short protein forms Q351H, Q303H, Q312H, Q211H, Q306H, Q344H, Q347H, Q348H.
Identifiers: ClinVar variation 1738555 (VCV001738555.3), dbSNP rs2518679590, ClinGen allele CA411148054.
Genomic context (GRCh38, chr22:29,673,313, plus strand): 5'-GCACTGTGCCCTCCAGATGCGGTCTGAGGAGACAGCTGACCTGTTGGCTGAAAAGGCCCA[G>C]ATCACCGAGGAGGAGGCAAAACTTCTGGCCCAGAAGGCCGCAGAGGCTGAGCAGGAAATG-3'
Protein context (NP_000259.1, residues 379-399): ETADLLAEKA[Gln389His]ITEEEAKLLA

ClinVar aggregate classification (germline): Uncertain significance (1 of 4 stars; one submission).

Conditions:
Hereditary cancer-predisposing syndrome. Also called: Hereditary Cancer Syndrome; Hereditary neoplastic syndrome; Neoplastic Syndromes, Hereditary; Tumor predisposition. Identifiers: Orphanet 140162, MedGen C0027672, MeSH D009386, MONDO:0015356.

Submission:

Ambry Genetics
Classification: Uncertain significance for Hereditary cancer-predisposing syndrome. Last evaluated: 2025-03-18. Review status: criteria provided, single submitter. Criteria: Ambry Variant Classification Scheme 2023. Collection method: clinical testing. Allele origin: germline.
Comment: The p.Q389H variant (also known as c.1167G>C), located in coding exon 12 of the NF2 gene, results from a G to C substitution at nucleotide position 1167. The glutamine at codon 389 is replaced by histidine, an amino acid with highly similar properties. This amino acid position is highly conserved in available vertebrate species. In addition, the in silico prediction for this alteration is inconclusive. Based on the available evidence, the clinical significance of this variant remains unclear.